The following is an entry in ClinVar:

ClinVar aggregate classification (germline): Uncertain significance (1 of 4 stars; one submission).

Allele frequency attached by ClinVar (database versions not stated): gnomAD 0.00001; gnomAD exomes 0.00005; ExAC 0.00007.
gnomAD v4.1: 77 of 1,565,220 alleles (0.0049%); highest among the groups gnomAD compares: East Asian, 0.17%; no homozygotes.

Submission:

Labcorp Genetics (formerly Invitae), Labcorp
Classification: Uncertain significance. Last evaluated: 2022-04-01. Review status: criteria provided, single submitter. Criteria: Invitae Variant Classification Sherloc (09022015). Collection method: clinical testing. Allele origin: germline.
Comment: This sequence change replaces glycine, which is neutral and non-polar, with alanine, which is neutral and non-polar, at codon 624 of the CCDC88A protein (p.Gly624Ala). This variant is present in population databases (rs776770353, gnomAD 0.03%). This variant has not been reported in the literature in individuals affected with CCDC88A-related conditions. Algorithms developed to predict the effect of missense changes on protein structure and function (SIFT, PolyPhen-2, Align-GVGD) all suggest that this variant is likely to be tolerated. In summary, the available evidence is currently insufficient to determine the role of this variant in disease. Therefore, it has been classified as a Variant of Uncertain Significance.

NM_001365480.1(CCDC88A):c.1871G>C (p.Gly624Ala)

Gene: CCDC88A (coiled-coil domain containing 88A; minus strand). Cytogenetic location: 2p16.1.
Variant type: single nucleotide variant.
Coding change: c.1871G>C on transcript NM_001365480.1 (MANE Select); coding-DNA position 1871, G replaced by C.
Protein change: p.Gly624Ala; replaces glycine 624 with alanine.
Molecular consequence: missense variant.
Genome position (GRCh38, 1-based): chr2:55,334,950, C>G on the plus strand (G>C on the coding strand, the complement: CCDC88A is on the minus strand). VCF-style: chr2-55334950-C-G. GRCh37 (hg19) VCF-style: chr2-55562086-C-G.
Other names: c.1871G>C, p.Gly624Ala (NM_001135597.2, NM_001254943.2, NM_018084.5); short protein forms G624A.
Identifiers: ClinVar variation 2141130 (VCV002141130.1), dbSNP rs776770353, ClinGen allele CA1666057.